The following is an entry in ClinVar:

NM_001130965.3(SUN1):c.1353C>T (p.Ala451=)

Gene: SUN1 (Sad1 and UNC84 domain containing 1; plus strand). Cytogenetic location: 7p22.3.
Variant type: single nucleotide variant.
Coding change: c.1353C>T on transcript NM_001130965.3 (MANE Select); coding-DNA position 1353, C replaced by T.
Protein change: p.Ala451=; no amino-acid change (alanine 451 retained).
Molecular consequence: synonymous variant. On other transcripts: non-coding transcript variant (3).
Genome position (GRCh38, 1-based): chr7:856,360, C>T. VCF-style: chr7-856360-C-T. GRCh37 (hg19) VCF-style: chr7-895997-C-T.
Other names: c.1044C>T, p.Ala348= (NM_001171944.2); c.1353C>T, p.Ala451= (NM_001367633.1, NM_001367634.1, NM_001367653.1); c.1002C>T, p.Ala334= (NM_001367635.1); c.1593C>T, p.Ala531= (NM_001367636.1, NM_001367691.1); c.1461C>T, p.Ala487= (NM_001367638.1); c.894C>T, p.Ala298= (NM_001367639.1); c.1533C>T, p.Ala511= (NM_001367640.1); c.1635C>T, p.Ala545= (NM_001367641.1, NM_001367682.1); and 43 more.
Identifiers: ClinVar variation 4085131 (VCV004085131.8).

ClinVar aggregate classification (germline): Likely benign (1 of 4 stars; one submission).

Submission:

CeGaT Center for Human Genetics Tuebingen
Classification: Likely benign. Last evaluated: 2025-08-01. Review status: criteria provided, single submitter. Criteria: CeGaT Center For Human Genetics Tuebingen Variant Classification Criteria Version 2. Collection method: clinical testing. Allele origin: germline. Affected: yes. Observed: 1 variant allele.
Comment: SUN1: PM2:Supporting, BP4, BP7